The following is an entry in ClinVar:

NM_000135.4(FANCA):c.3371G>C (p.Gly1124Ala)

Genes: FANCA (FA complementation group A; minus strand), LOC132090450 (Neanderthal introgressed variant-containing enhancer experimental_46718; plus strand). Cytogenetic location: 16q24.3.
Variant type: single nucleotide variant.
Coding change: c.3371G>C on transcript NM_000135.4 (MANE Select); coding-DNA position 3371, G replaced by C.
Protein change: p.Gly1124Ala; replaces glycine 1124 with alanine.
Molecular consequence: missense variant.
Genome position (GRCh38, 1-based): chr16:89,746,868, C>G on the plus strand (G>C on the coding strand, the complement: FANCA is on the minus strand). VCF-style: chr16-89746868-C-G. GRCh37 (hg19) VCF-style: chr16-89813276-C-G.
Other names: c.3371G>C, p.Gly1124Ala (NM_001286167.3); short protein forms G1124A.
Identifiers: ClinVar variation 4619280 (VCV004619280.1).

ClinVar aggregate classification (germline): Uncertain significance (1 of 4 stars; one submission).

Conditions:
Inborn genetic diseases. Identifiers: MedGen C0950123, MeSH D030342.

Submission:

Ambry Genetics
Classification: Uncertain significance for Inborn genetic diseases. Last evaluated: 2025-11-16. Review status: criteria provided, single submitter. Criteria: Ambry Variant Classification Scheme 2023. Collection method: clinical testing. Allele origin: germline.
Comment: The p.G1124A variant (also known as c.3371G>C), located in coding exon 34 of the FANCA gene, results from a G to C substitution at nucleotide position 3371. The glycine at codon 1124 is replaced by alanine, an amino acid with similar properties. This amino acid position is conserved. In addition, this alteration is predicted to be tolerated by in silico analysis. Based on the available evidence, the clinical significance of this variant remains unclear.